The following is an entry in ClinVar:

ClinVar aggregate classification (germline): Uncertain significance (1 of 4 stars; one submission).

Allele frequency attached by ClinVar (database versions not stated): gnomAD exomes below 0.00001 and 0.00001; ExAC 0.00001; gnomAD 0.00002; TOPMed 0.00002.
gnomAD v4.1: 8 of 1,614,162 alleles (0.0005%); highest among the groups gnomAD compares: Admixed American, 0.0083%; no homozygotes.

Submission:

Labcorp Genetics (formerly Invitae), Labcorp
Classification: Uncertain significance. Last evaluated: 2024-12-02. Review status: criteria provided, single submitter. Criteria: Invitae Variant Classification Sherloc (09022015). Collection method: clinical testing. Allele origin: germline.
Comment: This sequence change replaces threonine, which is neutral and polar, with isoleucine, which is neutral and non-polar, at codon 634 of the ADGRG1 protein (p.Thr634Ile). This variant is present in population databases (rs779042080, gnomAD 0.007%). This variant has not been reported in the literature in individuals affected with ADGRG1-related conditions. ClinVar contains an entry for this variant (Variation ID: 1435410). Invitae Evidence Modeling of protein sequence and biophysical properties (such as structural, functional, and spatial information, amino acid conservation, physicochemical variation, residue mobility, and thermodynamic stability) indicates that this missense variant is not expected to disrupt ADGRG1 protein function with a negative predictive value of 95%. In summary, the available evidence is currently insufficient to determine the role of this variant in disease. Therefore, it has been classified as a Variant of Uncertain Significance.

NM_201525.4(ADGRG1):c.1883C>T (p.Thr628Ile)

Gene: ADGRG1 (adhesion G protein-coupled receptor G1; plus strand). Cytogenetic location: 16q21.
Variant type: single nucleotide variant.
Coding change: c.1883C>T on transcript NM_201525.4 (MANE Select); coding-DNA position 1883, C replaced by T.
Protein change: p.Thr628Ile; replaces threonine 628 with isoleucine.
Molecular consequence: missense variant.
Genome position (GRCh38, 1-based): chr16:57,661,915, C>T. VCF-style: chr16-57661915-C-T. GRCh37 (hg19) VCF-style: chr16-57695827-C-T.
Other names: c.1358C>T, p.Thr453Ile (NM_001370453.1, NM_001370454.1, NM_001290144.2 and 1 more transcripts); c.1901C>T, p.Thr634Ile (NM_005682.7, NM_001145771.3, NM_001370428.1 and 4 more transcripts); c.1883C>T, p.Thr628Ile (NM_201524.4, NM_001145770.3, NM_001145772.3 and 7 more transcripts); c.1898C>T, p.Thr633Ile (NM_001145773.3, NM_001370433.1, NM_001370434.1); c.1391C>T, p.Thr464Ile (NM_001290142.2); c.1376C>T, p.Thr459Ile (NM_001290143.2); c.1880C>T, p.Thr627Ile (NM_001370441.1); c.1727C>T, p.Thr576Ile (NM_001370442.1); short protein forms T627I, T633I, T628I, T459I, T576I, T453I, T464I, T634I.
Identifiers: ClinVar variation 1435410 (VCV001435410.8), dbSNP rs779042080, ClinGen allele CA8078882.